The following is an entry in ClinVar:

ClinVar aggregate classification (germline): Uncertain significance. Review status: criteria provided, multiple submitters, no conflicts (2 of 4 stars). 5 submissions from 5 submitters: Uncertain significance (5). Last evaluated 2025-08-12.

Conditions:
Hypercholanemia, familial 1 (FHCA1). Identifiers: Orphanet 238475, MedGen C5542604, MONDO:0031446, OMIM 607748.
Cholestasis, progressive familial intrahepatic, 4. Identifiers: Orphanet 480483, Orphanet 79304, MedGen C2931067, MONDO:0014381, OMIM 615878.
Inborn genetic diseases. Identifiers: MedGen C0950123, MeSH D030342.

Allele frequency attached by ClinVar (database versions not stated): ExAC 0.00008; gnomAD exomes 0.00012; gnomAD 0.00022; ESP Exome Variant Server 0.00023; 1000 Genomes Project 30x 0.00031; TOPMed 0.00039; 1000 Genomes Project 0.00040.
gnomAD v4.1: 135 of 1,614,140 alleles (0.0084%); highest among the groups gnomAD compares: African/African-American, 0.11%; no homozygotes.

Submissions (5):

Ambry Genetics
Classification: Uncertain significance for Inborn genetic diseases. Last evaluated: 2025-08-12. Review status: criteria provided, single submitter. Criteria: Ambry Variant Classification Scheme 2023. Collection method: clinical testing. Allele origin: germline.

GeneDx
Classification: Uncertain significance. Last evaluated: 2025-06-24. Review status: criteria provided, single submitter. Criteria: GeneDx Variant Classification Process June 2021. Collection method: clinical testing. Allele origin: germline. Affected: yes.
Comment: In silico analysis supports that this missense variant has a deleterious effect on protein structure/function; Has not been previously published as pathogenic or benign to our knowledge

Mayo Clinic Laboratories, Mayo Clinic
Classification: Uncertain significance. Last evaluated: 2024-01-05. Review status: criteria provided, single submitter. Criteria: ACMG Guidelines, 2015. Collection method: clinical testing. Allele origin: germline. Observed: 1 variant allele.
Comment: BP4

Fulgent Genetics
Classification: Uncertain significance for Hypercholanemia, familial 1; Cholestasis, progressive familial intrahepatic, 4. Last evaluated: 2021-07-29. Review status: criteria provided, single submitter. Criteria: ACMG Guidelines, 2015. Collection method: clinical testing. Allele origin: unknown.

Eurofins Ntd Llc (ga)
Classification: Uncertain significance. Last evaluated: 2018-06-22. Review status: criteria provided, single submitter. Criteria: EGL ClinVar v180209 classification definitions. Collection method: clinical testing. Allele origin: germline. Observed: 4 variant alleles, 4 heterozygotes.

NM_004817.4(TJP2):c.2791G>A (p.Ala931Thr)

Gene: TJP2 (tight junction protein 2; plus strand). Cytogenetic location: 9q21.11.
Variant type: single nucleotide variant.
Coding change: c.2791G>A on transcript NM_004817.4 (MANE Select); coding-DNA position 2791, G replaced by A.
Protein change: p.Ala931Thr; replaces alanine 931 with threonine.
Molecular consequence: missense variant. On other transcripts: intron variant (1).
Genome position (GRCh38, 1-based): chr9:69,248,135, G>A. VCF-style: chr9-69248135-G-A. GRCh37 (hg19) VCF-style: chr9-71863051-G-A.
Other names: p.Ala931Thr; c.2791G>A, p.Ala931Thr (LRG_1201t1, NM_001369872.1, NM_201629.3); c.2722G>A, p.Ala908Thr (NM_001170414.2, NM_001369871.1); c.2803G>A, p.Ala935Thr (NM_001170415.1, NM_001369874.1, NM_001369875.1); c.2884G>A, p.Ala962Thr (NM_001170416.2); c.2716G>A, p.Ala906Thr (NM_001369870.1); c.2667+1345G>A (NM_001369873.1); short protein forms A931T, A906T, A935T, A908T, A962T.
Identifiers: ClinVar variation 289878 (VCV000289878.14), dbSNP rs139276234, ClinGen allele CA5073770.